The following is an entry in ClinVar:

NM_001375905.1(SGMS2):c.1019C>T (p.Pro340Leu)

Genes: SGMS2 (sphingomyelin synthase 2; plus strand), CYP2U1-AS1 (CYP2U1 and SGMS2 antisense RNA 1; minus strand). Cytogenetic location: 4q25.
Variant type: single nucleotide variant.
Coding change: c.1019C>T on transcript NM_001375905.1 (MANE Select); coding-DNA position 1019, C replaced by T.
Protein change: p.Pro340Leu; replaces proline 340 with leucine.
Molecular consequence: missense variant. On other transcripts: 3 prime UTR variant (1).
Genome position (GRCh38, 1-based): chr4:107,910,474, C>T. VCF-style: chr4-107910474-C-T. GRCh37 (hg19) VCF-style: chr4-108831630-C-T.
Other names: c.1019C>T, p.Pro340Leu (NM_001136257.2, NM_001136258.2, NM_001375906.1 and 3 more transcripts); c.*123C>T (NM_001375910.1); c.500C>T, p.Pro167Leu (NM_001375911.1); short protein forms P167L, P340L.
Identifiers: ClinVar variation 2109166 (VCV002109166.6), dbSNP rs754597740, ClinGen allele CA3036919.
Genomic context (GRCh38, chr4:107,910,474, plus strand): 5'-TTTTTGAGAAAAATGTACAAGGCTCAATTCCTTGCTGCTTCTCCTGGCCGCTGTCTTGGC[C>T]TCCTGGCTGCTTCAAATCATCATGCAAAAAGTATTCACGGGTTCAGAAGATTGGTGAAGA-3'
Protein context (NP_001362834.1, residues 330-350): PCCFSWPLSW[Pro340Leu]PGCFKSSCKK

ClinVar aggregate classification (germline): Uncertain significance. Review status: criteria provided, multiple submitters, no conflicts (2 of 4 stars). 2 submissions from 2 submitters: Uncertain significance (2). Last evaluated 2025-11-14.

Conditions:
Calvarial doughnut lesions-bone fragility syndrome. Also called: Doughnut lesions of skull, familial. Identifiers: Orphanet 85192, MedGen C1852022, MONDO:0007470, OMIM 126550.

Allele frequency attached by ClinVar (database versions not stated): gnomAD exomes 0.00001; TOPMed 0.00001; ExAC 0.00001.

Submissions (2):

Dasa
Classification: Uncertain significance for Calvarial doughnut lesions-bone fragility syndrome. Last evaluated: 2025-11-14. Review status: criteria provided, single submitter. Criteria: DASA Assertion Criteria. Collection method: clinical testing. Allele origin: germline.
Comment: NM_001375905.1(SGMS2):c.1019C>T (p.Pro340Leu) is a missense variant that results in the substitution of proline with leucine. This variant is rare in population databases. The currently available literature and clinical evidence are not sufficient to establish a definitive association between this variant and the reported condition. Therefore, this variant is classified as a variant of uncertain significance.

Labcorp Genetics (formerly Invitae), Labcorp
Classification: Uncertain significance. Last evaluated: 2025-08-04. Review status: criteria provided, single submitter. Criteria: Invitae Variant Classification Sherloc (09022015). Collection method: clinical testing. Allele origin: germline.
Comment: This sequence change replaces proline, which is neutral and non-polar, with leucine, which is neutral and non-polar, at codon 340 of the SGMS2 protein (p.Pro340Leu). This variant is present in population databases (rs754597740, gnomAD no frequency). This variant has not been reported in the literature in individuals affected with SGMS2-related conditions. ClinVar contains an entry for this variant (Variation ID: 2109166). Invitae Evidence Modeling of protein sequence and biophysical properties (such as structural, functional, and spatial information, amino acid conservation, physicochemical variation, residue mobility, and thermodynamic stability) indicates that this missense variant is not expected to disrupt SGMS2 protein function with a negative predictive value of 80%. In summary, the available evidence is currently insufficient to determine the role of this variant in disease. Therefore, it has been classified as a Variant of Uncertain Significance.